The following is an entry in ClinVar:

NM_015559.3(SETBP1):c.1690A>G (p.Ile564Val)

Gene: SETBP1 (SET binding protein 1; plus strand). Cytogenetic location: 18q12.3.
Variant type: single nucleotide variant.
Coding change: c.1690A>G on transcript NM_015559.3 (MANE Select); coding-DNA position 1690, A replaced by G.
Protein change: p.Ile564Val; replaces isoleucine 564 with valine.
Molecular consequence: missense variant.
Genome position (GRCh38, 1-based): chr18:44,951,030, A>G. VCF-style: chr18-44951030-A-G. GRCh37 (hg19) VCF-style: chr18-42530995-A-G.
Other names: c.1690A>G, p.Ile564Val (NM_001379141.1, NM_001379142.1, NM_001410862.1); short protein forms I564V.
Identifiers: ClinVar variation 2180180 (VCV002180180.4), dbSNP rs2511468824, ClinGen allele CA402319132.

ClinVar aggregate classification (germline): Uncertain significance (1 of 4 stars; one submission).

Submission:

Labcorp Genetics (formerly Invitae), Labcorp
Classification: Uncertain significance. Last evaluated: 2022-10-07. Review status: criteria provided, single submitter. Criteria: Invitae Variant Classification Sherloc (09022015). Collection method: clinical testing. Allele origin: germline.
Comment: In summary, the available evidence is currently insufficient to determine the role of this variant in disease. Therefore, it has been classified as a Variant of Uncertain Significance. Algorithms developed to predict the effect of missense changes on protein structure and function (SIFT, PolyPhen-2, Align-GVGD) all suggest that this variant is likely to be disruptive. This variant has not been reported in the literature in individuals affected with SETBP1-related conditions. This variant is not present in population databases (gnomAD no frequency). This sequence change replaces isoleucine, which is neutral and non-polar, with valine, which is neutral and non-polar, at codon 564 of the SETBP1 protein (p.Ile564Val).